The following is an entry in ClinVar:

NM_001854.4(COL11A1):c.3473T>C (p.Val1158Ala)

Gene: COL11A1 (collagen type XI alpha 1 chain; minus strand). Cytogenetic location: 1p21.1.
Variant type: single nucleotide variant.
Coding change: c.3473T>C on transcript NM_001854.4 (MANE Select); coding-DNA position 3473, T replaced by C.
Protein change: p.Val1158Ala; replaces valine 1158 with alanine.
Molecular consequence: missense variant. On other transcripts: non-coding transcript variant (1).
Genome position (GRCh38, 1-based): chr1:102,935,079, A>G on the plus strand (T>C on the coding strand, the complement: COL11A1 is on the minus strand). VCF-style: chr1-102935079-A-G. GRCh37 (hg19) VCF-style: chr1-103400635-A-G.
Other names: c.3356T>C, p.Val1119Ala (NM_001190709.2); c.3509T>C, p.Val1170Ala (NM_080629.3); c.3125T>C, p.Val1042Ala (NM_080630.4); short protein forms V1170A, V1158A, V1119A, V1042A.
Identifiers: ClinVar variation 291515 (VCV000291515.40), dbSNP rs375675171, ClinGen allele CA974003.

ClinVar aggregate classification (germline): Conflicting classifications of pathogenicity. Review status: criteria provided, conflicting classifications (1 of 4 stars). 8 submissions from 7 submitters: Uncertain significance (4); Likely benign (3). 1 of the submissions does not count toward it. Last evaluated 2026-02-03.

Conditions:
COL11A1-related disorder. Also called: COL11A1-related condition; COL11A1-related disorders.
Fibrochondrogenesis 1 (FBCG1). Identifiers: Orphanet 2021, MedGen C3278138, MONDO:0009226, OMIM 228520.
Stickler syndrome type 2 (STL2). Also called: STICKLER SYNDROME, BEADED VITREOUS TYPE; STICKLER SYNDROME, VITREOUS TYPE 2; COL11A1-Related Stickler Syndrome; STICKLER SYNDROME, TYPE II. Identifiers: Orphanet 828, Orphanet 90654, MedGen C1858084, MONDO:0011493, OMIM 604841.

Allele frequency attached by ClinVar (database versions not stated): TOPMed 0.00017; gnomAD 0.00022 and 0.00023; ESP Exome Variant Server 0.00023; gnomAD exomes 0.00023; ExAC 0.00035.
gnomAD v4.1: 590 of 1,613,976 alleles (0.037%); highest among the groups gnomAD compares: Non-Finnish European, 0.047%; 1 homozygote.

Submissions (8):

Labcorp Genetics (formerly Invitae), Labcorp
Classification: Likely benign. Last evaluated: 2026-02-03. Review status: criteria provided, single submitter. Criteria: Invitae Variant Classification Sherloc (09022015). Collection method: clinical testing. Allele origin: germline.

Women's Health and Genetics/Laboratory Corporation of America, LabCorp
Classification: Uncertain significance. Last evaluated: 2025-09-22. Review status: criteria provided, single submitter. Criteria: LabCorp Variant Classification Summary - May 2015. Collection method: clinical testing. Allele origin: germline.
Comment: Variant summary: COL11A1 c.3473T>C (p.Val1158Ala) results in a non-conservative amino acid change in the encoded protein sequence. Algorithms developed to predict the effect of missense changes on protein structure and function all suggest that this variant is likely to be disruptive. The variant allele was found at a frequency of 0.00023 in 251272 control chromosomes. This frequency is not significantly higher than estimated for disease-causing variants in COL11A1, allowing no conclusion about variant significance. c.3473T>C has been observed in at least one individual affected with partial hearing loss (e.g. Ozieblo_2022). These report(s) do not provide unequivocal conclusions about association of the variant with Stickler Syndrome. To our knowledge, no experimental evidence demonstrating an impact on protein function has been reported. The following publication has been ascertained in the context of this evaluation (PMID: 35682719). ClinVar contains an entry for this variant (Variation ID: 291515). Based on the evidence outlined above, the variant was classified as uncertain significance.

Blueprint Genetics
Classification: Uncertain significance. Last evaluated: 2024-01-15. Review status: criteria provided, single submitter. Criteria: ACMG Guidelines, 2015. Collection method: clinical testing. Allele origin: germline.

CeGaT Center for Human Genetics Tuebingen
Classification: Likely benign. Last evaluated: 2023-09-01. Review status: criteria provided, single submitter. Criteria: CeGaT Center For Human Genetics Tuebingen Variant Classification Criteria Version 2. Collection method: clinical testing. Allele origin: germline. Affected: yes. Observed: 2 variant alleles.
Comment: COL11A1: BS2

GeneDx
Classification: Likely benign. Last evaluated: 2020-09-11. Review status: criteria provided, single submitter. Criteria: GeneDx Variant Classification Process June 2021. Collection method: clinical testing. Allele origin: germline. Affected: yes.

Illumina Laboratory Services, Illumina
Classification: Uncertain significance for Stickler syndrome type 2. Last evaluated: 2018-01-12. Review status: criteria provided, single submitter. Criteria: ICSL Variant Classification Criteria 13 December 2019. Collection method: clinical testing. Allele origin: germline.

Illumina Laboratory Services, Illumina
Classification: Uncertain significance for Fibrochondrogenesis 1. Last evaluated: 2018-01-12. Review status: criteria provided, single submitter. Criteria: ICSL Variant Classification Criteria 13 December 2019. Collection method: clinical testing. Allele origin: germline.

PreventionGenetics, part of Exact Sciences
Classification: Uncertain significance for COL11A1-related condition. Last evaluated: 2024-08-12. Review status: no assertion criteria provided. Collection method: clinical testing. Allele origin: germline. Not counted in ClinVar's aggregate classification.
Comment: The COL11A1 c.3473T>C variant is predicted to result in the amino acid substitution p.Val1158Ala. To our knowledge, this variant has not been reported in the literature. This variant is reported in 0.044% of alleles in individuals of European (Non-Finnish) descent in gnomAD, including one homozygous individual in the larger gnomAD v4.1.0 dataset. Although we suspect that this variant may be benign, at this time, the clinical significance of this variant is uncertain due to the absence of conclusive functional and genetic evidence.

Literature cited by the submitters: PubMed 35682719 (cited by Women's Health and Genetics/Laboratory Corporation of America, LabCorp).